The following is an entry in ClinVar:

ClinVar aggregate classification (germline): Pathogenic. Review status: reviewed by expert panel (3 of 4 stars). 2 submissions from 2 submitters: Pathogenic (1). 1 of the submissions does not count toward it. Last evaluated 2016-10-18.

Conditions:
Breast-ovarian cancer, familial, susceptibility to, 1 (BROVCA1). Also called: BRCA1 Hereditary Breast and Ovarian Cancer; OVARIAN CANCER, SUSCEPTIBILITY TO. Identifiers: Orphanet 145, MedGen C2676676, MONDO:0011450, OMIM 604370. Disease mechanism: loss of function.

Submissions (2):

Evidence-based Network for the Interpretation of Germline Mutant Alleles (ENIGMA)
Classification: Pathogenic for Breast-ovarian cancer, familial, susceptibility to, 1. Last evaluated: 2016-10-18. Review status: reviewed by expert panel. Criteria: ENIGMA BRCA1/2 Classification Criteria (2015). Collection method: curation. Allele origin: germline.
Comment: Variant allele predicted to encode a truncated non-functional protein.

Consortium of Investigators of Modifiers of BRCA1/2 (CIMBA), c/o University of Cambridge
Classification: Pathogenic for Breast-ovarian cancer, familial, susceptibility to, 1. Last evaluated: 2015-10-02. Review status: criteria provided, single submitter. Criteria: CIMBA Mutation Classification guidelines May 2016. Collection method: clinical testing. Allele origin: germline. Not counted in ClinVar's aggregate classification.

NM_007294.4(BRCA1):c.3109_3110insT (p.Lys1037fs)

Gene: BRCA1 (BRCA1 DNA repair associated; minus strand). Cytogenetic location: 17q21.31.
Variant type: Insertion.
Coding change: c.3109_3110insT on transcript NM_007294.4 (MANE Select); coding-DNA positions 3109 to 3110, T inserted.
Protein change: p.Lys1037fs; shifts the reading frame from lysine 1037.
Molecular consequence: frameshift variant. On other transcripts: intron variant (137).
Genome position: GRCh38 VCF-style: chr17-43092421-T-TA. GRCh37 (hg19) VCF-style: chr17-41244438-T-TA.
Other names: 3228_3229insT; c.284-1390_284-1389insT (NM_001408512.1); c.407-1390_407-1389insT (NM_001408510.1); c.644-1390_644-1389insT (NM_001408470.1, NM_001408464.1, NM_001408468.1 and 3 more transcripts); c.647-1390_647-1389insT (NM_001408469.1, NM_001408453.1, NM_001408461.1 and 11 more transcripts); c.785-1390_785-1389insT (NM_001408397.1, NM_001408401.1, NM_001408396.1 and 13 more transcripts); c.665-1390_665-1389insT (NM_001408436.1, NM_001408444.1, NM_001408438.1 and 12 more transcripts); c.788-1390_788-1389insT (NM_001407980.1, NM_001407993.1, NM_001407976.1 and 17 more transcripts); and 42 more; short protein forms K990fs, K1037fs, K967fs, K970fs, K989fs, K996fs, K1011fs, K1034fs.
Identifiers: ClinVar variation 266334 (VCV000266334.6), dbSNP rs886040096, ClinGen allele CA10589784.